The following is an entry in ClinVar:

ClinVar aggregate classification (germline): Uncertain significance. Review status: criteria provided, multiple submitters, no conflicts (2 of 4 stars). 5 submissions from 5 submitters: Uncertain significance (5). Last evaluated 2025-03-18.

Conditions:
Vesicoureteral reflux 8 (VUR8). Identifiers: Orphanet 289365, MedGen C4014831, MONDO:0014422, OMIM 615963.
Ehlers-Danlos syndrome due to tenascin-X deficiency (EDSCLL1). Also called: TNX DEFICIENCY; EDS DUE TO TNX DEFICIENCY; EHLERS-DANLOS SYNDROME, CLASSIC-LIKE; Ehlers-Danlos syndrome, classic-like, 1; TNXB-Related Classical-Like Ehlers-Danlos Syndrome. Identifiers: Orphanet 230839, MedGen C1848029, MONDO:0011670, OMIM 606408.
Cardiovascular phenotype. Identifiers: MedGen CN230736.

Allele frequency attached by ClinVar (database versions not stated): gnomAD 0.00001 and 0.00002; gnomAD exomes 0.00002 and 0.00009; TOPMed 0.00002.
gnomAD v4.1: 127 of 1,606,376 alleles (0.0079%); highest among the groups gnomAD compares: Non-Finnish European, 0.011%; no homozygotes.

Submissions (5):

Women's Health and Genetics/Laboratory Corporation of America, LabCorp
Classification: Uncertain significance. Last evaluated: 2025-03-18. Review status: criteria provided, single submitter. Criteria: LabCorp Variant Classification Summary - May 2015. Collection method: clinical testing. Allele origin: germline.
Comment: Variant summary: TNXB c.1739A>G (p.Tyr580Cys) results in a non-conservative amino acid change in the encoded protein sequence. Three of four in-silico tools predict a damaging effect of the variant on protein function. The variant allele was found at a frequency of 1.7e-05 in 228934 control chromosomes. The available data on variant occurrences in the general population are insufficient to allow any conclusion about variant significance. To our knowledge, no occurrence of c.1739A>G in individuals affected with TNXB-related conditions and no experimental evidence demonstrating its impact on protein function have been reported. ClinVar contains an entry for this variant (Variation ID: 1333728). Based on the evidence outlined above, the variant was classified as uncertain significance.

Ambry Genetics
Classification: Uncertain significance for Cardiovascular phenotype. Last evaluated: 2024-12-09. Review status: criteria provided, single submitter. Criteria: Ambry Variant Classification Scheme 2023. Collection method: clinical testing. Allele origin: germline.
Comment: The p.Y580C variant (also known as c.1739A>G), located in coding exon 2 of the TNXB gene, results from an A to G substitution at nucleotide position 1739. The tyrosine at codon 580 is replaced by cysteine, an amino acid with highly dissimilar properties. This amino acid position is conserved. In addition, this alteration is predicted to be tolerated by in silico analysis. Since supporting evidence is limited at this time, the clinical significance of this alteration remains unclear.

Revvity Omics, Revvity
Classification: Uncertain significance for Vesicoureteral reflux 8. Last evaluated: 2024-04-16. Review status: criteria provided, single submitter. Criteria: ACMG Guidelines, 2015. Collection method: clinical testing. Allele origin: germline.

GeneDx
Classification: Uncertain significance. Last evaluated: 2024-03-27. Review status: criteria provided, single submitter. Criteria: GeneDx Variant Classification Process June 2021. Collection method: clinical testing. Allele origin: germline. Affected: yes.
Comment: Has not been previously published as pathogenic or benign to our knowledge; Not observed at significant frequency in large population cohorts (gnomAD); In silico analysis supports that this missense variant has a deleterious effect on protein structure/function

CENTOGENE GmbH and LLC - Guiding Precision Medicine
Classification: Uncertain significance for Ehlers-Danlos syndrome due to tenascin-X deficiency. Last evaluated: 2021-02-22. Review status: criteria provided, single submitter. Criteria: ACMG Guidelines, 2015. Collection method: clinical testing. Allele origin: germline. Affected: yes.

NM_001365276.2(TNXB):c.1739A>G (p.Tyr580Cys)

Gene: TNXB (tenascin XB; minus strand). Cytogenetic location: 6p21.33.
Variant type: single nucleotide variant.
Coding change: c.1739A>G on transcript NM_001365276.2 (MANE Select); coding-DNA position 1739, A replaced by G.
Protein change: p.Tyr580Cys; replaces tyrosine 580 with cysteine.
Molecular consequence: missense variant.
Genome position (GRCh38, 1-based): chr6:32,096,114, T>C on the plus strand (A>G on the coding strand, the complement: TNXB is on the minus strand). VCF-style: chr6-32096114-T-C. GRCh37 (hg19) VCF-style: chr6-32063891-T-C.
Other names: c.1739A>G, p.Tyr580Cys (NM_019105.8); short protein forms Y580C.
Identifiers: ClinVar variation 1333728 (VCV001333728.9), dbSNP rs761561411, ClinGen allele CA136905817.